The following is an entry in ClinVar:

ClinVar aggregate classification (germline): Uncertain significance (1 of 4 stars; one submission).

Conditions:
Myasthenic syndrome, congenital, 22 (CMS22). Also called: PREPL DEFICIENCY. Identifiers: MedGen C4479088, MONDO:0044299, OMIM 616224.

Allele frequency attached by ClinVar (database versions not stated): gnomAD exomes below 0.00001; TOPMed below 0.00001; gnomAD 0.00001.
gnomAD v4.1: 4 of 1,612,238 alleles (0.00025%); highest among the groups gnomAD compares: African/African-American, 0.004%; no homozygotes.

Submission:

Labcorp Genetics (formerly Invitae), Labcorp
Classification: Uncertain significance for Myasthenic syndrome, congenital, 22. Last evaluated: 2021-09-21. Review status: criteria provided, single submitter. Criteria: Invitae Variant Classification Sherloc (09022015). Collection method: clinical testing. Allele origin: germline.
Comment: This sequence change replaces histidine with arginine at codon 508 of the PREPL protein (p.His508Arg). The histidine residue is highly conserved and there is a small physicochemical difference between histidine and arginine. In summary, the available evidence is currently insufficient to determine the role of this variant in disease. Therefore, it has been classified as a Variant of Uncertain Significance. Algorithms developed to predict the effect of missense changes on protein structure and function (SIFT, PolyPhen-2, Align-GVGD) all suggest that this variant is likely to be disruptive. This variant has not been reported in the literature in individuals affected with PREPL-related conditions. This variant is not present in population databases (ExAC no frequency).

NM_001171613.2(PREPL):c.1256A>G (p.His419Arg)

Gene: PREPL (prolyl endopeptidase like; minus strand). Cytogenetic location: 2p21.
Variant type: single nucleotide variant.
Coding change: c.1256A>G on transcript NM_001171613.2 (MANE Select); coding-DNA position 1256, A replaced by G.
Protein change: p.His419Arg; replaces histidine 419 with arginine.
Molecular consequence: missense variant.
Genome position (GRCh38, 1-based): chr2:44,328,943, T>C on the plus strand (A>G on the coding strand, the complement: PREPL is on the minus strand). VCF-style: chr2-44328943-T-C. GRCh37 (hg19) VCF-style: chr2-44556082-T-C.
Other names: c.1337A>G, p.His446Arg (NM_001042385.2); c.1325A>G, p.His442Arg (NM_001042386.2); c.1523A>G, p.His508Arg (NM_001171603.1, NM_001171606.2, NM_001374275.1 and 2 more transcripts); c.1256A>G, p.His419Arg (NM_001171617.1, NM_001374277.1); short protein forms H442R, H419R, H446R, H508R.
Identifiers: ClinVar variation 1434846 (VCV001434846.6), dbSNP rs1470203044, ClinGen allele CA346690366.